The following is an entry in ClinVar:

NM_144997.7(FLCN):c.1489G>T (p.Val497Leu)

Gene: FLCN (folliculin; minus strand). Cytogenetic location: 17p11.2.
Variant type: single nucleotide variant.
Coding change: c.1489G>T on transcript NM_144997.7 (MANE Select); coding-DNA position 1489, G replaced by T.
Protein change: p.Val497Leu; replaces valine 497 with leucine.
Molecular consequence: missense variant.
Genome position (GRCh38, 1-based): chr17:17,215,034, C>A on the plus strand (G>T on the coding strand, the complement: FLCN is on the minus strand). VCF-style: chr17-17215034-C-A. GRCh37 (hg19) VCF-style: chr17-17118348-C-A.
Other names: c.1543G>T, p.Val515Leu (NM_001353229.2); c.1489G>T, p.Val497Leu (NM_001353230.2, NM_001353231.2); short protein forms V497L, V515L.
Identifiers: ClinVar variation 3665845 (VCV003665845.1).
Genomic context (GRCh38, chr17:17,215,034, plus strand): 5'-CTGTTGCTTACTTCATCCACTCCTCCTTGAGGCAGACGAGGCACTGGTCCACCACATCCA[C>A]AGACAGGTTCTGGTTGGTCAGAGCCGCTTCAATCTTATTCAGGATGGTGGGGCCCACTGG-3'
Protein context (NP_659434.2, residues 487-507): EAALTNQNLS[Val497Leu]DVVDQCLVCL

ClinVar aggregate classification (germline): Uncertain significance (1 of 4 stars; one submission).

Conditions:
Birt-Hogg-Dube syndrome. Also called: Birt Hogg Dubé syndrome. Identifiers: Orphanet 122, MedGen C0346010, MONDO:0800444.

Submission:

Labcorp Genetics (formerly Invitae), Labcorp
Classification: Uncertain significance for Birt-Hogg-Dube syndrome. Last evaluated: 2024-11-22. Review status: criteria provided, single submitter. Criteria: Invitae Variant Classification Sherloc (09022015). Collection method: clinical testing. Allele origin: germline.
Comment: This sequence change replaces valine, which is neutral and non-polar, with leucine, which is neutral and non-polar, at codon 497 of the FLCN protein (p.Val497Leu). This variant is not present in population databases (gnomAD no frequency). This variant has not been reported in the literature in individuals affected with FLCN-related conditions. Invitae Evidence Modeling of protein sequence and biophysical properties (such as structural, functional, and spatial information, amino acid conservation, physicochemical variation, residue mobility, and thermodynamic stability) indicates that this missense variant is not expected to disrupt FLCN protein function with a negative predictive value of 80%. In summary, the available evidence is currently insufficient to determine the role of this variant in disease. Therefore, it has been classified as a Variant of Uncertain Significance.